The following is an entry in ClinVar:

ClinVar aggregate classification (germline): Likely benign (1 of 4 stars; one submission).

gnomAD v4.1: 424 of 1,612,694 alleles (0.026%); highest among the groups gnomAD compares: Middle Eastern, 0.28%; no homozygotes.

Submission:

CeGaT Center for Human Genetics Tuebingen
Classification: Likely benign. Last evaluated: 2025-06-01. Review status: criteria provided, single submitter. Criteria: CeGaT Center For Human Genetics Tuebingen Variant Classification Criteria Version 2. Collection method: clinical testing. Allele origin: germline. Affected: yes. Observed: 1 variant allele.
Comment: NOS1: BP4, BP7

NM_000620.5(NOS1):c.3234A>G (p.Leu1078=)

Gene: NOS1 (nitric oxide synthase 1; minus strand). Cytogenetic location: 12q24.22.
Variant type: single nucleotide variant.
Coding change: c.3234A>G on transcript NM_000620.5 (MANE Select); coding-DNA position 3234, A replaced by G.
Protein change: p.Leu1078=; no amino-acid change (leucine 1078 retained).
Molecular consequence: synonymous variant.
Genome position (GRCh38, 1-based): chr12:117,234,566, T>C on the plus strand (A>G on the coding strand, the complement: NOS1 is on the minus strand). VCF-style: chr12-117234566-T-C. GRCh37 (hg19) VCF-style: chr12-117672371-T-C.
Other names: c.2226A>G, p.Leu742= (NM_001204213.2, NM_001204214.2); c.3336A>G, p.Leu1112= (NM_001204218.2).
Identifiers: ClinVar variation 4084061 (VCV004084061.8).